The following is an entry in ClinVar:

ClinVar aggregate classification (germline): Uncertain significance. Review status: criteria provided, multiple submitters, no conflicts (2 of 4 stars). 3 submissions from 3 submitters: Uncertain significance (3). Last evaluated 2025-08-08.

Allele frequency attached by ClinVar (database versions not stated): gnomAD exomes 0.00008; ExAC 0.00009; gnomAD 0.00011; TOPMed 0.00012; ESP Exome Variant Server 0.00016.
gnomAD v4.1: 74 of 1,613,940 alleles (0.0046%); highest among the groups gnomAD compares: Middle Eastern, 0.033%; no homozygotes.

Submissions (3):

Ambry Genetics
Classification: Uncertain significance. Last evaluated: 2025-08-08. Review status: criteria provided, single submitter. Criteria: Ambry Variant Classification Scheme 2023. Collection method: clinical testing. Allele origin: germline.

Labcorp Genetics (formerly Invitae), Labcorp
Classification: Uncertain significance. Last evaluated: 2024-11-11. Review status: criteria provided, single submitter. Criteria: Invitae Variant Classification Sherloc (09022015). Collection method: clinical testing. Allele origin: germline.
Comment: This sequence change replaces threonine, which is neutral and polar, with methionine, which is neutral and non-polar, at codon 296 of the FMN1 protein (p.Thr296Met). This variant is present in population databases (rs201609721, gnomAD 0.02%). This variant has not been reported in the literature in individuals affected with FMN1-related conditions. ClinVar contains an entry for this variant (Variation ID: 499460). Experimental studies and prediction algorithms are not available or were not evaluated, and the functional significance of this variant is currently unknown. In summary, the available evidence is currently insufficient to determine the role of this variant in disease. Therefore, it has been classified as a Variant of Uncertain Significance.

Eurofins Ntd Llc (ga)
Classification: Uncertain significance. Last evaluated: 2017-01-19. Review status: criteria provided, single submitter. Criteria: EGL Classification Definitions 2015. Collection method: clinical testing. Allele origin: germline. Observed: 1 variant allele, 1 heterozygote.

NM_001277313.2(FMN1):c.2044-1924C>T

Gene: FMN1 (formin 1; minus strand). Cytogenetic location: 15q13.3.
Variant type: single nucleotide variant.
Coding change: c.2044-1924C>T on transcript NM_001277313.2 (MANE Select); 1924 bases into the intron before coding-DNA position 2044, C replaced by T.
Molecular consequence: intron variant. On other transcripts: missense variant (1).
Genome position (GRCh38, 1-based): chr15:33,066,998, G>A on the plus strand (C>T on the coding strand, the complement: FMN1 is on the minus strand). VCF-style: chr15-33066998-G-A. GRCh37 (hg19) VCF-style: chr15-33359199-G-A.
Other names: c.887C>T, p.Thr296Met (NM_001103184.4); c.887C>T (NM_001103184.2); short protein forms T296M.
Identifiers: ClinVar variation 499460 (VCV000499460.11), dbSNP rs201609721, ClinGen allele CA7457245.
Genomic context (GRCh38, chr15:33,066,998, plus strand): 5'-TTCTGCACAGGCTGCGTCAATTTGAGCAAAGCTAAGTCCCCATCCTTTGGTTTAATTTCC[G>A]TGATGGTCTCTCCTCCCTCAGCGGTAGCCCCCTTCTTCAGCACACGAAGCCCACTGAAAA-3'